The following is an entry in ClinVar:

NM_016148.5(SHANK1):c.1207C>T (p.Arg403Ter)

Gene: SHANK1 (SH3 and multiple ankyrin repeat domains 1; minus strand). Cytogenetic location: 19q13.33.
Variant type: single nucleotide variant.
Coding change: c.1207C>T on transcript NM_016148.5 (MANE Select); coding-DNA position 1207, C replaced by T.
Protein change: p.Arg403Ter; replaces arginine 403 with a stop codon.
Molecular consequence: nonsense.
Genome position (GRCh38, 1-based): chr19:50,704,135, G>A on the plus strand (C>T on the coding strand, the complement: SHANK1 is on the minus strand). VCF-style: chr19-50704135-G-A. GRCh37 (hg19) VCF-style: chr19-51207392-G-A.
Other names: short protein forms R403*.
Identifiers: ClinVar variation 3795503 (VCV003795503.1).

ClinVar aggregate classification (germline): Pathogenic (1 of 4 stars; one submission).

Conditions:
Inborn genetic diseases. Identifiers: MedGen C0950123, MeSH D030342.

Submission:

Ambry Genetics
Classification: Pathogenic for Inborn genetic diseases. Last evaluated: 2025-01-29. Review status: criteria provided, single submitter. Criteria: Ambry Variant Classification Scheme 2023. Collection method: clinical testing. Allele origin: germline.
Comment: The c.1207C>T (p.R403*) alteration, located in exon 9 (coding exon 9) of the SHANK1 gene, consists of a C to T substitution at nucleotide position 1207. This changes the amino acid from an arginine (R) to a stop codon at amino acid position 403. This alteration is expected to result in loss of function by premature protein truncation or nonsense-mediated mRNA decay. This variant was not reported in population-based cohorts in the Genome Aggregation Database (gnomAD). Based on the available evidence, this alteration is classified as pathogenic.